The following is an entry in ClinVar:

ClinVar aggregate classification (germline): Uncertain significance (1 of 4 stars; one submission).

Conditions:
Hereditary cancer-predisposing syndrome. Also called: Neoplastic Syndromes, Hereditary; Tumor predisposition; Hereditary neoplastic syndrome; Hereditary Cancer Syndrome. Identifiers: Orphanet 140162, MedGen C0027672, MeSH D009386, MONDO:0015356.

Submission:

Ambry Genetics
Classification: Uncertain significance for Hereditary cancer-predisposing syndrome. Last evaluated: 2026-07-07. Review status: criteria provided, single submitter. Criteria: Ambry Variant Classification Scheme 2023. Collection method: clinical testing. Allele origin: germline.
Comment: The p.E534Q variant (also known as c.1600G>C), located in coding exon 11 of the CDH1 gene, results from a G to C substitution at nucleotide position 1600. The glutamic acid at codon 534 is replaced by glutamine, an amino acid with highly similar properties. This amino acid position is conserved. In addition, this alteration is predicted to be tolerated by in silico analysis. Based on the available evidence, the clinical significance of this variant remains unclear.

NM_004360.5(CDH1):c.1600G>C (p.Glu534Gln)

Gene: CDH1 (cadherin 1; plus strand). Cytogenetic location: 16q22.1.
Variant type: single nucleotide variant.
Coding change: c.1600G>C on transcript NM_004360.5 (MANE Select); coding-DNA position 1600, G replaced by C.
Protein change: p.Glu534Gln; replaces glutamic acid 534 with glutamine.
Molecular consequence: missense variant. On other transcripts: intron variant (1).
Genome position (GRCh38, 1-based): chr16:68,819,314, G>C. VCF-style: chr16-68819314-G-C. GRCh37 (hg19) VCF-style: chr16-68853217-G-C.
Other names: c.1417G>C, p.Glu473Gln (NM_001317184.2); c.52G>C, p.Glu18Gln (NM_001317185.2); c.-254-2687G>C (NM_001317186.2); short protein forms E534Q, E18Q, E473Q.
Identifiers: ClinVar variation 5033981 (VCV005033981.1).